The following is an entry in ClinVar:

NM_004925.5(AQP3):c.105G>C (p.Leu35=)

Gene: AQP3 (aquaporin 3 (Gill blood group); minus strand). Cytogenetic location: 9p13.3.
Variant type: single nucleotide variant.
Coding change: c.105G>C on transcript NM_004925.5 (MANE Select); coding-DNA position 105, G replaced by C.
Protein change: p.Leu35=; no amino-acid change (leucine 35 retained).
Molecular consequence: synonymous variant.
Genome position (GRCh38, 1-based): chr9:33,447,426, C>G on the plus strand (G>C on the coding strand, the complement: AQP3 is on the minus strand). VCF-style: chr9-33447426-C-G. GRCh37 (hg19) VCF-style: chr9-33447424-C-G.
Other names: c.105G>C, p.Leu35= (NM_001318144.2).
Identifiers: ClinVar variation 3059468 (VCV003059468.2), dbSNP rs591810, ClinGen allele CA5026526.

ClinVar aggregate classification (germline): Benign (0 of 4 stars; one submission).

Conditions:
AQP3-related disorder. Also called: AQP3-related condition.

Allele frequency attached by ClinVar (database versions not stated): 1000 Genomes Project 0.74121; ESP Exome Variant Server 0.74241; 1000 Genomes Project 30x 0.74485; TOPMed 0.75205; gnomAD 0.75235.
gnomAD v4.1: 1,154,684 of 1,596,606 alleles (72%); highest among the groups gnomAD compares: Admixed American, 81%; 419,133 homozygotes.

Submission:

PreventionGenetics, part of Exact Sciences
Classification: Benign for AQP3-related condition. Last evaluated: 2019-10-17. Review status: no assertion criteria provided. Collection method: clinical testing. Allele origin: germline.
Comment: This variant is classified as benign based on ACMG/AMP sequence variant interpretation guidelines (Richards et al. 2015 PMID: 25741868, with internal and published modifications).